The following is an entry in ClinVar:

ClinVar aggregate classification (germline): Uncertain significance. Review status: criteria provided, multiple submitters, no conflicts (2 of 4 stars). 2 submissions from 2 submitters: Uncertain significance (2). Last evaluated 2025-03-03.

Conditions:
Inborn genetic diseases. Identifiers: MedGen C0950123, MeSH D030342.

Allele frequency attached by ClinVar (database versions not stated): TOPMed below 0.00001; ExAC 0.00001; gnomAD 0.00001.

Submissions (2):

Ambry Genetics
Classification: Uncertain significance for Inborn genetic diseases. Last evaluated: 2025-03-03. Review status: criteria provided, single submitter. Criteria: Ambry Variant Classification Scheme 2023. Collection method: clinical testing. Allele origin: germline.

Labcorp Genetics (formerly Invitae), Labcorp
Classification: Uncertain significance. Last evaluated: 2024-09-30. Review status: criteria provided, single submitter. Criteria: Invitae Variant Classification Sherloc (09022015). Collection method: clinical testing. Allele origin: germline.
Comment: This sequence change replaces tyrosine, which is neutral and polar, with serine, which is neutral and polar, at codon 398 of the TBX6 protein (p.Tyr398Ser). This variant is present in population databases (rs758798583, gnomAD 0.004%). This variant has not been reported in the literature in individuals affected with TBX6-related conditions. ClinVar contains an entry for this variant (Variation ID: 1944722). Invitae Evidence Modeling of protein sequence and biophysical properties (such as structural, functional, and spatial information, amino acid conservation, physicochemical variation, residue mobility, and thermodynamic stability) indicates that this missense variant is not expected to disrupt TBX6 protein function with a negative predictive value of 80%. In summary, the available evidence is currently insufficient to determine the role of this variant in disease. Therefore, it has been classified as a Variant of Uncertain Significance.

NM_004608.4(TBX6):c.1193A>C (p.Tyr398Ser)

Gene: TBX6 (T-box transcription factor 6; minus strand). Cytogenetic location: 16p11.2.
Variant type: single nucleotide variant.
Coding change: c.1193A>C on transcript NM_004608.4 (MANE Select); coding-DNA position 1193, A replaced by C.
Protein change: p.Tyr398Ser; replaces tyrosine 398 with serine.
Molecular consequence: missense variant.
Genome position (GRCh38, 1-based): chr16:30,086,343, T>G on the plus strand (A>C on the coding strand, the complement: TBX6 is on the minus strand). VCF-style: chr16-30086343-T-G. GRCh37 (hg19) VCF-style: chr16-30097664-T-G.
Other names: c.1193A>C (NM_004608.3); short protein forms Y398S.
Identifiers: ClinVar variation 1944722 (VCV001944722.6), dbSNP rs758798583, ClinGen allele CA8001647.
Genomic context (GRCh38, chr16:30,086,343, plus strand): 5'-GGGAAGGGGCCCCCTTGGAGAAAGTGCGGGGCAAAGGGTACCGCCGGTGGAGCCGCTGGG[T>G]ACCCGGAGCCCCCTGACCCGTGCGGCAGCTCCAGAAATGCAGCCGAGTAGGGGGCTGAGC-3'
Protein context (NP_004599.2, residues 388-408): ELPHGSGGSG[Tyr398Ser]PAAPPAVPFA